The following is an entry in ClinVar:

NC_012920.1(MT-ND1):m.3764C>T

Gene: MT-ND1 (mitochondrially encoded NADH dehydrogenase 1; plus strand).
Variant type: single nucleotide variant.
Genome position: chrM-3764-C-T.
Identifiers: ClinVar variation 692398 (VCV000692398.1), dbSNP rs1603219127, ClinGen allele CA414773461.

ClinVar aggregate classification (germline): Uncertain significance (1 of 4 stars; one submission).

Conditions:
Leigh syndrome (NULS). Also called: Leigh's necrotizing encephalopathy; Leigh's disease; Leigh Syndrome (mtDNA deletion); Leigh Disease; Subacute necrotizing encephalopathy; Necrotizing encephalopathy infantile subacute of Leigh. Identifiers: Orphanet 506, MedGen C2931891, MONDO:0009723, OMIM 256000.

Submission:

Wong Mito Lab, Molecular and Human Genetics, Baylor College of Medicine
Classification: Uncertain significance for Leigh syndrome. Last evaluated: 2019-10-17. Review status: criteria provided, single submitter. Criteria: Modified ACMG Guidelines (Unpublished). Collection method: clinical testing. Allele origin: germline.
Comment: The NC_012920.1:m.3764C>T (YP_003024026.1:p.Thr153Met) variant in MTND1 gene is interpretated to be a Uncertain Significance variant based on the modified ACMG guidelines (unpublished). This variant meets the following evidence codes: PP6